The following is an entry in ClinVar:

NM_024119.3(DHX58):c.1274A>G (p.Gln425Arg)

Gene: DHX58 (DExH-box helicase 58; minus strand). Cytogenetic location: 17q21.2.
Variant type: single nucleotide variant.
Coding change: c.1274A>G on transcript NM_024119.3 (MANE Select); coding-DNA position 1274, A replaced by G.
Protein change: p.Gln425Arg; replaces glutamine 425 with arginine.
Molecular consequence: missense variant.
Genome position (GRCh38, 1-based): chr17:42,105,145, T>C on the plus strand (A>G on the coding strand, the complement: DHX58 is on the minus strand). VCF-style: chr17-42105145-T-C. GRCh37 (hg19) VCF-style: chr17-40257163-T-C.
Other names: short protein forms Q425R.
Identifiers: ClinVar variation 1278116 (VCV001278116.2), dbSNP rs2074158, ClinGen allele CA8570869.
Genomic context (GRCh38, chr17:42,105,145, plus strand): 5'-AGCCCCTCCTCCGCCACACTCGTGGCCACCAGAAGGTTCAGGGTTCCATCTTGGAACTTC[T>C]GGATCACTTCTTGCTGGTCCCTCTGCAGGCGGAGGGCAGGGAGGAGAAAGAGGCTGGTAC-3'
Protein context (NP_077024.2, residues 415-435): MTQRDQQEVI[Gln425Arg]KFQDGTLNLL

ClinVar aggregate classification (germline): Benign. Review status: criteria provided, multiple submitters, no conflicts (2 of 4 stars). 2 submissions from 2 submitters: Benign (2). Last evaluated 2019-01-09.

Allele frequency attached by ClinVar (database versions not stated): gnomAD exomes 0.18510 and 0.20765; ExAC 0.22748; gnomAD 0.32669 and 0.33638; TOPMed 0.34401; ESP Exome Variant Server 0.35161; 1000 Genomes Project 0.35683; 1000 Genomes Project 30x 0.36477.
gnomAD v4.1: 321,673 of 1,613,196 alleles (20%); highest among the groups gnomAD compares: African/African-American, 73%; 44,240 homozygotes.

Submissions (2):

GeneDx
Classification: Benign. Last evaluated: 2019-01-09. Review status: criteria provided, single submitter. Criteria: GeneDx Variant Classification Process June 2021. Collection method: clinical testing. Allele origin: germline. Affected: yes.
Comment: This variant is associated with the following publications: (PMID: 29083408)

Breakthrough Genomics
Classification: Benign. Review status: criteria provided, single submitter. Criteria: ACMG Guidelines, 2015. Collection method: not provided. Allele origin: germline. Inheritance: Unknown mechanism. Affected: yes.